The following is an entry in ClinVar:

NM_020822.3(KCNT1):c.3682G>A (p.Glu1228Lys)

Gene: KCNT1 (potassium sodium-activated channel subfamily T member 1; plus strand). Cytogenetic location: 9q34.3.
Variant type: single nucleotide variant.
Coding change: c.3682G>A on transcript NM_020822.3 (MANE Select); coding-DNA position 3682, G replaced by A.
Protein change: p.Glu1228Lys; replaces glutamic acid 1228 with lysine.
Molecular consequence: missense variant.
Genome position (GRCh38, 1-based): chr9:135,792,135, G>A. VCF-style: chr9-135792135-G-A. GRCh37 (hg19) VCF-style: chr9-138683981-G-A.
Other names: c.3610G>A, p.Glu1204Lys (NM_001272003.2); short protein forms E1228K, E1204K.
Identifiers: ClinVar variation 421231 (VCV000421231.39), dbSNP rs144679713, ClinGen allele CA5328020.
Genomic context (GRCh38, chr9:135,792,135, plus strand): 5'-GCCAGCAGCTCCCAGAGCCGGAAGAGCAGCTGCAGCCACAAGCTGTCGTCCTGCAACCCC[G>A]AGACTCGCGACGAGACACAGCTCTGAGCCAGCCCTGCACGGAGCTCAGGCCACCAAGCCC-3'
Protein context (NP_065873.2, residues 1218-1235): CSHKLSSCNP[Glu1228Lys]TRDETQL

ClinVar aggregate classification (germline): Benign/Likely benign. Review status: criteria provided, multiple submitters, no conflicts (2 of 4 stars). 9 submissions from 8 submitters: Benign (1); Likely benign (7). 1 of the submissions does not count toward it. Last evaluated 2026-02-03.

Conditions:
KCNT1-related disorder. Also called: KCNT1-related condition.
Inborn genetic diseases. Identifiers: MedGen C0950123, MeSH D030342.
Developmental and epileptic encephalopathy, 14 (DEE14). Also called: Early infantile epileptic encephalopathy 14. Identifiers: Orphanet 293181, MedGen C3554195, MONDO:0013989, OMIM 614959.
Autosomal dominant nocturnal frontal lobe epilepsy 5. Also called: CILIARY DYSKINESIA, PRIMARY, 28, WITH SITUS INVERSUS; Epilepsy, nocturnal frontal lobe, 5; CILIARY DYSKINESIA, PRIMARY, 28, WITHOUT SITUS INVERSUS; KCNT1-Related Epilepsy. Identifiers: Orphanet 98784, MedGen C3554306, MONDO:0014002, OMIM 615005.

Allele frequency attached by ClinVar (database versions not stated): gnomAD exomes 0.00011 and 0.00017; ExAC 0.00019; ESP Exome Variant Server 0.00031; gnomAD 0.00044 and 0.00047; TOPMed 0.00048.
gnomAD v4.1: 222 of 1,606,006 alleles (0.014%); highest among the groups gnomAD compares: African/African-American, 0.14%; no homozygotes.

Submissions (9):

Women's Health and Genetics/Laboratory Corporation of America, LabCorp
Classification: Likely benign. Last evaluated: 2026-02-03. Review status: criteria provided, single submitter. Criteria: LabCorp Variant Classification Summary - May 2015. Collection method: clinical testing. Allele origin: germline.
Comment: Variant summary: KCNT1 c.3682G>A (p.Glu1228Lys) results in a conservative amino acid change in the encoded protein sequence. Algorithms developed to predict the effect of missense changes on protein structure and function are either unavailable or do not agree on the potential impact of this missense change. The variant allele was found at a frequency of 0.00017 in 241108 control chromosomes, predominantly at a frequency of 0.0017 within the African or African-American subpopulation in the gnomAD database. The observed variant frequency within African or African-American control individuals in the gnomAD database exceeds the estimated maximal expected allele frequency for disease-causing variants in KCNT1. To our knowledge, no occurrence of c.3682G>A in individuals affected with KCNT1-related conditions and no experimental evidence demonstrating its impact on protein function have been reported. ClinVar contains an entry for this variant (Variation ID: 421231). Based on the evidence outlined above, the variant was classified as likely benign.

Labcorp Genetics (formerly Invitae), Labcorp
Classification: Likely benign for Autosomal dominant nocturnal frontal lobe epilepsy 5; Developmental and epileptic encephalopathy, 14. Last evaluated: 2026-01-25. Review status: criteria provided, single submitter. Criteria: Invitae Variant Classification Sherloc (09022015). Collection method: clinical testing. Allele origin: germline.

CeGaT Center for Human Genetics Tuebingen
Classification: Likely benign. Last evaluated: 2024-04-01. Review status: criteria provided, single submitter. Criteria: CeGaT Center For Human Genetics Tuebingen Variant Classification Criteria Version 2. Collection method: clinical testing. Allele origin: germline. Affected: yes. Observed: 1 variant allele.
Comment: KCNT1: BS1

Blueprint Genetics
Classification: Likely benign. Last evaluated: 2024-01-23. Review status: criteria provided, single submitter. Criteria: ACMG Guidelines, 2015. Collection method: clinical testing. Allele origin: germline.

Genome-Nilou Lab
Classification: Likely benign for Developmental and epileptic encephalopathy, 14. Last evaluated: 2022-03-15. Review status: criteria provided, single submitter. Criteria: ACMG Guidelines, 2015. Collection method: clinical testing. Allele origin: germline. Affected: no.

Genome-Nilou Lab
Classification: Likely benign for Autosomal dominant nocturnal frontal lobe epilepsy 5. Last evaluated: 2022-03-15. Review status: criteria provided, single submitter. Criteria: ACMG Guidelines, 2015. Collection method: clinical testing. Allele origin: germline. Affected: no.

GeneDx
Classification: Likely benign. Last evaluated: 2020-05-22. Review status: criteria provided, single submitter. Criteria: GeneDx Variant Classification Process June 2021. Collection method: clinical testing. Allele origin: germline. Affected: yes.

Ambry Genetics
Classification: Benign for Inborn genetic diseases. Last evaluated: 2019-06-16. Review status: criteria provided, single submitter. Criteria: Ambry Variant Classification Scheme 2023. Collection method: clinical testing. Allele origin: germline.

PreventionGenetics, part of Exact Sciences
Classification: Likely benign for KCNT1-related condition. Last evaluated: 2021-12-15. Review status: no assertion criteria provided. Collection method: clinical testing. Allele origin: germline. Not counted in ClinVar's aggregate classification.
Comment: This variant is classified as likely benign based on ACMG/AMP sequence variant interpretation guidelines (Richards et al. 2015 PMID: 25741868, with internal and published modifications).